The following is an entry in ClinVar:

ClinVar aggregate classification (germline): Uncertain significance. Review status: criteria provided, multiple submitters, no conflicts (2 of 4 stars). 2 submissions from 2 submitters: Uncertain significance (2). Last evaluated 2025-05-13.

Conditions:
Schneckenbecken dysplasia. Identifiers: Orphanet 3144, MedGen C0432194, MONDO:0010013, OMIM 269250.
Inborn genetic diseases. Identifiers: MedGen C0950123, MeSH D030342.

Allele frequency attached by ClinVar (database versions not stated): gnomAD exomes 0.00001; TOPMed 0.00002; gnomAD 0.00004.
gnomAD v4.1: 29 of 1,613,596 alleles (0.0018%); highest among the groups gnomAD compares: African/African-American, 0.021%; no homozygotes.

Submissions (2):

Ambry Genetics
Classification: Uncertain significance for Inborn genetic diseases. Last evaluated: 2025-05-13. Review status: criteria provided, single submitter. Criteria: Ambry Variant Classification Scheme 2023. Collection method: clinical testing. Allele origin: germline.

Labcorp Genetics (formerly Invitae), Labcorp
Classification: Uncertain significance for Schneckenbecken dysplasia. Last evaluated: 2022-10-04. Review status: criteria provided, single submitter. Criteria: Invitae Variant Classification Sherloc (09022015). Collection method: clinical testing. Allele origin: germline.
Comment: This sequence change replaces glycine, which is neutral and non-polar, with serine, which is neutral and polar, at codon 47 of the SLC35D1 protein (p.Gly47Ser). This variant is present in population databases (no rsID available, gnomAD 0.008%). This variant has not been reported in the literature in individuals affected with SLC35D1-related conditions. Advanced modeling of protein sequence and biophysical properties (such as structural, functional, and spatial information, amino acid conservation, physicochemical variation, residue mobility, and thermodynamic stability) performed at Invitae indicates that this missense variant is not expected to disrupt SLC35D1 protein function. In summary, the available evidence is currently insufficient to determine the role of this variant in disease. Therefore, it has been classified as a Variant of Uncertain Significance.

NM_015139.3(SLC35D1):c.139G>A (p.Gly47Ser)

Gene: SLC35D1 (solute carrier family 35 member D1; minus strand). Cytogenetic location: 1p31.3.
Variant type: single nucleotide variant.
Coding change: c.139G>A on transcript NM_015139.3 (MANE Select); coding-DNA position 139, G replaced by A.
Protein change: p.Gly47Ser; replaces glycine 47 with serine.
Molecular consequence: missense variant.
Genome position (GRCh38, 1-based): chr1:67,053,875, C>T on the plus strand (G>A on the coding strand, the complement: SLC35D1 is on the minus strand). VCF-style: chr1-67053875-C-T. GRCh37 (hg19) VCF-style: chr1-67519558-C-T.
Other names: c.139G>A (NM_015139.2); short protein forms G47S.
Identifiers: ClinVar variation 2162146 (VCV002162146.2), dbSNP rs866006824, ClinGen allele CA24011237.
Genomic context (GRCh38, chr1:67,053,875, plus strand): 5'-AATTGGTGAGCACGCTCTTATTCACCACCACGATCAGGAAGGAGCTCACGCCGTAAAAGC[C>T]GGCGGCCAGCAGCTTCAGAAACACGGTCAGCGTTTCGGCCGACGCCATCCCCAGCTCCTC-3'
Protein context (NP_055954.1, residues 37-57): LTVFLKLLAA[Gly47Ser]FYGVSSFLIV